The following is an entry in ClinVar:

NM_005159.4(ACTC1):c.*1262G>C

Genes: ACTC1 (actin alpha cardiac muscle 1; minus strand), GJD2-DT (GJD2 divergent transcript; plus strand). Cytogenetic location: 15q14.
Variant type: single nucleotide variant.
Coding change: c.*1262G>C on transcript NM_005159.4; 1262 bases downstream of the stop codon, G replaced by C.
Genome position (GRCh38, 1-based): chr15:34,789,150, C>G on the plus strand (G>C on the coding strand, the complement: ACTC1 is on the minus strand). VCF-style: chr15-34789150-C-G. GRCh37 (hg19) VCF-style: chr15-35081351-C-G.
Identifiers: ClinVar variation 888092 (VCV000888092.34), dbSNP rs189725849, ClinGen allele CA268658824.

ClinVar aggregate classification (germline): Conflicting classifications of pathogenicity. Review status: criteria provided, conflicting classifications (1 of 4 stars). 3 submissions from 2 submitters: Uncertain significance (2); Likely benign (1). Last evaluated 2023-03-01.

Conditions:
Hypertrophic cardiomyopathy 11. Also called: ACTC1-Related Familial Hypertrophic Cardiomyopathy. Identifiers: MedGen C2677506, MONDO:0012799, OMIM 612098.
Dilated cardiomyopathy 1R (CMD1R). Identifiers: Orphanet 154, Orphanet 54260, MedGen C3150681, MONDO:0013261, OMIM 613424.

Allele frequency attached by ClinVar (database versions not stated): 1000 Genomes Project 0.00260; TOPMed 0.00518; 1000 Genomes Project 30x 0.00234.

Submissions (3):

CeGaT Center for Human Genetics Tuebingen
Classification: Likely benign. Last evaluated: 2023-03-01. Review status: criteria provided, single submitter. Criteria: CeGaT Center For Human Genetics Tuebingen Variant Classification Criteria Version 2. Collection method: clinical testing. Allele origin: germline. Affected: yes. Observed: 9 variant alleles.
Comment: ACTC1: BS2

Illumina Laboratory Services, Illumina
Classification: Uncertain significance for Hypertrophic cardiomyopathy 11. Last evaluated: 2018-01-12. Review status: criteria provided, single submitter. Criteria: ICSL Variant Classification Criteria 13 December 2019. Collection method: clinical testing. Allele origin: germline.

Illumina Laboratory Services, Illumina
Classification: Uncertain significance for Dilated cardiomyopathy 1R. Last evaluated: 2018-01-12. Review status: criteria provided, single submitter. Criteria: ICSL Variant Classification Criteria 13 December 2019. Collection method: clinical testing. Allele origin: germline.